The following is an entry in ClinVar:

ClinVar aggregate classification (germline): Uncertain significance. Review status: criteria provided, multiple submitters, no conflicts (2 of 4 stars). 2 submissions from 2 submitters: Uncertain significance (2). Last evaluated 2023-09-20.

Conditions:
Hypertrophic cardiomyopathy. Also called: HYPERTROPHIC MYOCARDIOPATHY. Identifiers: Orphanet 217569, MedGen C0007194, MeSH D002312, MONDO:0005045, HP:0001639.
Cardiomyopathy (CMYO). Also called: Cardiomyopathies. Identifiers: Orphanet 167848, MedGen C0878544, MONDO:0004994, HP:0001638. Inheritance: Various modes of inheritance.

Allele frequency attached by ClinVar (database versions not stated): TOPMed 0.00001; gnomAD 0.00001.

Submissions (2):

Color Diagnostics, LLC DBA Color Health
Classification: Uncertain significance for Cardiomyopathy. Last evaluated: 2023-09-20. Review status: criteria provided, single submitter. Criteria: ACMG Guidelines, 2015. Collection method: clinical testing. Allele origin: germline.
Comment: This missense variant replaces arginine with tryptophan at codon 69 of the MYBPC3 protein. Computational prediction suggests that this variant may not impact protein structure and function. To our knowledge, functional studies have not been reported for this variant. This variant has not been reported in individuals affected with MYBPC3-related disorders in the literature. This variant has been identified in 1/31398 chromosomes in the general population by the Genome Aggregation Database (gnomAD). The available evidence is insufficient to determine the role of this variant in disease conclusively. Therefore, this variant is classified as a Variant of Uncertain Significance.

Labcorp Genetics (formerly Invitae), Labcorp
Classification: Uncertain significance for Hypertrophic cardiomyopathy. Last evaluated: 2023-08-24. Review status: criteria provided, single submitter. Criteria: Invitae Variant Classification Sherloc (09022015). Collection method: clinical testing. Allele origin: germline.
Comment: In summary, the available evidence is currently insufficient to determine the role of this variant in disease. Therefore, it has been classified as a Variant of Uncertain Significance. An algorithm developed to predict the effect of missense changes on protein structure and function (PolyPhen-2) suggests that this variant is likely to be disruptive. ClinVar contains an entry for this variant (Variation ID: 524941). This variant has not been reported in the literature in individuals affected with MYBPC3-related conditions. This variant is present in population databases (no rsID available, gnomAD 0.007%). This sequence change replaces arginine, which is basic and polar, with tryptophan, which is neutral and slightly polar, at codon 69 of the MYBPC3 protein (p.Arg69Trp).

NM_000256.3(MYBPC3):c.205C>T (p.Arg69Trp)

Gene: MYBPC3 (myosin binding protein C3; minus strand). Cytogenetic location: 11p11.2.
Variant type: single nucleotide variant.
Coding change: c.205C>T on transcript NM_000256.3 (MANE Select); coding-DNA position 205, C replaced by T.
Protein change: p.Arg69Trp; replaces arginine 69 with tryptophan.
Molecular consequence: missense variant.
Genome position (GRCh38, 1-based): chr11:47,351,326, G>A on the plus strand (C>T on the coding strand, the complement: MYBPC3 is on the minus strand). VCF-style: chr11-47351326-G-A. GRCh37 (hg19) VCF-style: chr11-47372877-G-A.
Other names: c.205C>T, p.Arg69Trp (LRG_386t1); short protein forms R69W.
Identifiers: ClinVar variation 524941 (VCV000524941.6), dbSNP rs1173357672, ClinGen allele CA380341719.